The following is an entry in ClinVar:

NM_004104.5(FASN):c.3794T>G (p.Leu1265Arg)

Gene: FASN (fatty acid synthase; minus strand). Cytogenetic location: 17q25.3.
Variant type: single nucleotide variant.
Coding change: c.3794T>G on transcript NM_004104.5 (MANE Select); coding-DNA position 3794, T replaced by G.
Protein change: p.Leu1265Arg; replaces leucine 1265 with arginine.
Molecular consequence: missense variant.
Genome position (GRCh38, 1-based): chr17:82,085,810, A>C on the plus strand (T>G on the coding strand, the complement: FASN is on the minus strand). VCF-style: chr17-82085810-A-C. GRCh37 (hg19) VCF-style: chr17-80043686-A-C.
Other names: short protein forms L1265R.
Identifiers: ClinVar variation 570872 (VCV000570872.8), dbSNP rs1568110115, ClinGen allele CA401550217.
Genomic context (GRCh38, chr17:82,085,810, plus strand): 5'-GCCTGGGCAGCCTCCAGGGCCTGGGGGTGGCGGTCGGTGGCCGTGTAGCTCAGCTGCAGC[A>C]GGGGATGGGGGCTGAGCAGGCCTGGGATGCGGGAATACAGGTGACCGTGGCCAGCCAGCA-3'
Protein context (NP_004095.4, residues 1255-1275): RIPGLLSPHP[Leu1265Arg]LQLSYTATDR

ClinVar aggregate classification (germline): Uncertain significance (1 of 4 stars; one submission).

Conditions:
Epileptic encephalopathy. Identifiers: MedGen C0543888, HP:0200134.

Allele frequency attached by ClinVar (database versions not stated): gnomAD 0.00001; TOPMed 0.00002.
gnomAD v4.1: 8 of 1,562,182 alleles (0.00051%); highest among the groups gnomAD compares: Admixed American, 0.0018%; no homozygotes.

Submission:

Labcorp Genetics (formerly Invitae), Labcorp
Classification: Uncertain significance for Epileptic encephalopathy. Last evaluated: 2022-09-01. Review status: criteria provided, single submitter. Criteria: Invitae Variant Classification Sherloc (09022015). Collection method: clinical testing. Allele origin: germline.
Comment: ClinVar contains an entry for this variant (Variation ID: 570872). This variant has not been reported in the literature in individuals affected with FASN-related conditions. This variant is not present in population databases (gnomAD no frequency). This sequence change replaces leucine, which is neutral and non-polar, with arginine, which is basic and polar, at codon 1265 of the FASN protein (p.Leu1265Arg). Algorithms developed to predict the effect of missense changes on protein structure and function (SIFT, PolyPhen-2, Align-GVGD) all suggest that this variant is likely to be disruptive. In summary, the available evidence is currently insufficient to determine the role of this variant in disease. Therefore, it has been classified as a Variant of Uncertain Significance.